The following is an entry in ClinVar:

ClinVar aggregate classification (germline): Benign/Likely benign. Review status: criteria provided, multiple submitters, no conflicts (2 of 4 stars). 3 submissions from 3 submitters: Benign (1); Likely benign (2). Last evaluated 2024-11-06.

Conditions:
Renal cell carcinoma. Identifiers: Orphanet 217071, MedGen C0007134, MeSH D002292, MONDO:0005086, HP:0005584.
Hereditary cancer-predisposing syndrome. Also called: Hereditary Cancer Syndrome; Neoplastic Syndromes, Hereditary; Tumor predisposition; Hereditary neoplastic syndrome. Identifiers: Orphanet 140162, MedGen C0027672, MeSH D009386, MONDO:0015356.
Papillary renal cell carcinoma type 1 (RCCP1). Also called: Renal adenocarcinoma; Renal cell carcinoma 1; Renal cell carcinoma, somatic; RENAL CELL CARCINOMA, PAPILLARY, 1, SOMATIC. Identifiers: Orphanet 47044, MedGen C1336839, OMIM 605074, HP:0011797.

Allele frequency attached by ClinVar (database versions not stated): gnomAD exomes below 0.00001.

Submissions (3):

Myriad Genetics, Inc.
Classification: Benign for Papillary renal cell carcinoma type 1. Last evaluated: 2024-11-06. Review status: criteria provided, single submitter. Criteria: Myriad Autosomal Dominant, Autosomal Recessive and X-Linked Classification Criteria (2023). Collection method: clinical testing. Allele origin: unknown.
Comment: This variant is considered benign. This variant is a silent/synonymous amino acid change and it is not expected to impact splicing.

Labcorp Genetics (formerly Invitae), Labcorp
Classification: Likely benign for Renal cell carcinoma. Last evaluated: 2024-09-17. Review status: criteria provided, single submitter. Criteria: Invitae Variant Classification Sherloc (09022015). Collection method: clinical testing. Allele origin: germline.

Ambry Genetics
Classification: Likely benign for Hereditary cancer-predisposing syndrome. Last evaluated: 2023-12-29. Review status: criteria provided, single submitter. Criteria: Ambry Variant Classification Scheme 2023. Collection method: clinical testing. Allele origin: germline.

NM_000245.4(MET):c.378T>C (p.Tyr126=)

Gene: MET (MET proto-oncogene, receptor tyrosine kinase; plus strand). Cytogenetic location: 7q31.2.
Variant type: single nucleotide variant.
Coding change: c.378T>C on transcript NM_000245.4 (MANE Select); coding-DNA position 378, T replaced by C.
Protein change: p.Tyr126=; no amino-acid change (tyrosine 126 retained).
Molecular consequence: synonymous variant. On other transcripts: intron variant (1).
Genome position (GRCh38, 1-based): chr7:116,699,462, T>C. VCF-style: chr7-116699462-T-C. GRCh37 (hg19) VCF-style: chr7-116339516-T-C.
Other names: c.378T>C (NM_001127500.1); c.378T>C, p.Tyr126= (NM_001127500.3, NM_001324401.3); c.-91+26885T>C (NM_001324402.2).
Identifiers: ClinVar variation 1641782 (VCV001641782.10), dbSNP rs2116587316, ClinGen allele CA457447664.